The following is an entry in ClinVar:

NM_032242.4(PLXNA1):c.4305G>T (p.Ser1435=)

Gene: PLXNA1 (plexin A1; plus strand). Cytogenetic location: 3q21.3.
Variant type: single nucleotide variant.
Coding change: c.4305G>T on transcript NM_032242.4 (MANE Select); coding-DNA position 4305, G replaced by T.
Protein change: p.Ser1435=; no amino-acid change (serine 1435 retained).
Molecular consequence: synonymous variant.
Genome position (GRCh38, 1-based): chr3:127,022,761, G>T. VCF-style: chr3-127022761-G-T. GRCh37 (hg19) VCF-style: chr3-126741604-G-T.
Identifiers: ClinVar variation 3029628 (VCV003029628.2), dbSNP rs140041313, ClinGen allele CA83327233.

ClinVar aggregate classification (germline): Likely benign (0 of 4 stars; one submission).

Conditions:
PLXNA1-related disorder. Also called: PLXNA1-related condition.

gnomAD v4.1: 46 of 1,613,810 alleles (0.0029%); highest among the groups gnomAD compares: African/African-American, 0.0053%; no homozygotes.

Submission:

PreventionGenetics, part of Exact Sciences
Classification: Likely benign for PLXNA1-related condition. Last evaluated: 2022-04-14. Review status: no assertion criteria provided. Collection method: clinical testing. Allele origin: germline.
Comment: This variant is classified as likely benign based on ACMG/AMP sequence variant interpretation guidelines (Richards et al. 2015 PMID: 25741868, with internal and published modifications).